The following is an entry in ClinVar:

ClinVar aggregate classification (germline): Uncertain significance (1 of 4 stars; one submission).

gnomAD v4.1: 16 of 1,614,002 alleles (0.00099%); highest among the groups gnomAD compares: African/African-American, 0.0013%; no homozygotes.

Submission:

Labcorp Genetics (formerly Invitae), Labcorp
Classification: Uncertain significance. Last evaluated: 2024-02-01. Review status: criteria provided, single submitter. Criteria: Invitae Variant Classification Sherloc (09022015). Collection method: clinical testing. Allele origin: germline.
Comment: This sequence change replaces arginine, which is basic and polar, with tryptophan, which is neutral and slightly polar, at codon 33 of the FOXP1 protein (p.Arg33Trp). This variant is not present in population databases (gnomAD no frequency). This variant has not been reported in the literature in individuals affected with FOXP1-related conditions. Advanced modeling of protein sequence and biophysical properties (such as structural, functional, and spatial information, amino acid conservation, physicochemical variation, residue mobility, and thermodynamic stability) has been performed at Invitae for this missense variant, however the output from this modeling did not meet the statistical confidence thresholds required to predict the impact of this variant on FOXP1 protein function. In summary, the available evidence is currently insufficient to determine the role of this variant in disease. Therefore, it has been classified as a Variant of Uncertain Significance.

NM_001349338.3(FOXP1):c.97C>T (p.Arg33Trp)

Gene: FOXP1 (forkhead box P1; minus strand). Cytogenetic location: 3p13.
Variant type: single nucleotide variant.
Coding change: c.97C>T on transcript NM_001349338.3 (MANE Select); coding-DNA position 97, C replaced by T.
Protein change: p.Arg33Trp; replaces arginine 33 with tryptophan.
Molecular consequence: missense variant. On other transcripts: non-coding transcript variant (2).
Genome position (GRCh38, 1-based): chr3:71,198,285, G>A on the plus strand (C>T on the coding strand, the complement: FOXP1 is on the minus strand). VCF-style: chr3-71198285-G-A. GRCh37 (hg19) VCF-style: chr3-71247436-G-A.
Other names: c.97C>T, p.Arg33Trp (NM_001012505.2, NM_001244808.3, NM_001244810.2 and 6 more transcripts); short protein forms R33W.
Identifiers: ClinVar variation 3718776 (VCV003718776.2).